The following is an entry in ClinVar:

NM_015559.3(SETBP1):c.80C>A (p.Pro27His)

Gene: SETBP1 (SET binding protein 1; plus strand). Cytogenetic location: 18q12.3.
Variant type: single nucleotide variant.
Coding change: c.80C>A on transcript NM_015559.3 (MANE Select); coding-DNA position 80, C replaced by A.
Protein change: p.Pro27His; replaces proline 27 with histidine.
Molecular consequence: missense variant.
Genome position (GRCh38, 1-based): chr18:44,701,426, C>A. VCF-style: chr18-44701426-C-A. GRCh37 (hg19) VCF-style: chr18-42281391-C-A.
Other names: c.80C>A, p.Pro27His (NM_001130110.2, NM_001379141.1, NM_001379142.1 and 1 more transcripts); short protein forms P27H.
Identifiers: ClinVar variation 3709692 (VCV003709692.2).

ClinVar aggregate classification (germline): Uncertain significance (1 of 4 stars; one submission).

gnomAD v4.1: 3 of 1,600,832 alleles (0.00019%); highest among the groups gnomAD compares: Non-Finnish European, 0.00017%; no homozygotes.

Submission:

Labcorp Genetics (formerly Invitae), Labcorp
Classification: Uncertain significance. Last evaluated: 2024-05-08. Review status: criteria provided, single submitter. Criteria: Invitae Variant Classification Sherloc (09022015). Collection method: clinical testing. Allele origin: germline.
Comment: This sequence change replaces proline, which is neutral and non-polar, with histidine, which is basic and polar, at codon 27 of the SETBP1 protein (p.Pro27His). This variant is not present in population databases (gnomAD no frequency). This variant has not been reported in the literature in individuals affected with SETBP1-related conditions. An algorithm developed to predict the effect of missense changes on protein structure and function (PolyPhen-2) suggests that this variant is likely to be tolerated. In summary, the available evidence is currently insufficient to determine the role of this variant in disease. Therefore, it has been classified as a Variant of Uncertain Significance.